The following is an entry in ClinVar:

NM_032043.3(BRIP1):c.1092C>A (p.Ile364=)

Gene: BRIP1 (BRCA1 interacting DNA helicase 1; minus strand). Cytogenetic location: 17q23.2.
Variant type: single nucleotide variant.
Coding change: c.1092C>A on transcript NM_032043.3 (MANE Select); coding-DNA position 1092, C replaced by A.
Protein change: p.Ile364=; no amino-acid change (isoleucine 364 retained).
Molecular consequence: synonymous variant.
Genome position (GRCh38, 1-based): chr17:61,801,301, G>T on the plus strand (C>A on the coding strand, the complement: BRIP1 is on the minus strand). VCF-style: chr17-61801301-G-T. GRCh37 (hg19) VCF-style: chr17-59878662-G-T.
Identifiers: ClinVar variation 1789599 (VCV001789599.4), dbSNP rs1555607674, ClinGen allele CA501151772.

ClinVar aggregate classification (germline): Conflicting classifications of pathogenicity. Review status: criteria provided, conflicting classifications (1 of 4 stars). 2 submissions from 2 submitters: Uncertain significance (1); Likely benign (1). Last evaluated 2025-08-31.

Conditions:
Hereditary cancer-predisposing syndrome. Also called: Neoplastic Syndromes, Hereditary; Tumor predisposition; Hereditary neoplastic syndrome; Hereditary Cancer Syndrome. Identifiers: Orphanet 140162, MedGen C0027672, MeSH D009386, MONDO:0015356.
Familial cancer of breast. Also called: BREAST CANCER, FAMILIAL; hereditary breast carcinoma; Hereditary breast cancer. Identifiers: Orphanet 227535, MedGen C0346153, MONDO:0016419, OMIM 114480. Disease mechanism: loss of function.
Fanconi anemia complementation group J. Also called: BRIP1-Related Fanconi Anemia. Identifiers: Orphanet 84, MedGen C1836860, MONDO:0012187, OMIM 609054.

Submissions (2):

Labcorp Genetics (formerly Invitae), Labcorp
Classification: Likely benign for Familial cancer of breast; Fanconi anemia complementation group J. Last evaluated: 2025-08-31. Review status: criteria provided, single submitter. Criteria: Invitae Variant Classification Sherloc (09022015). Collection method: clinical testing. Allele origin: germline.

Ambry Genetics
Classification: Uncertain significance for Hereditary cancer-predisposing syndrome. Last evaluated: 2025-06-25. Review status: criteria provided, single submitter. Criteria: Ambry Variant Classification Scheme 2023. Collection method: clinical testing. Allele origin: germline.
Comment: The c.1092C>A variant (also known as p.I364I), located in coding exon 7 of the BRIP1 gene, results from a C to A substitution at nucleotide position 1092. This nucleotide substitution does not change the amino acid at codon 364. In silico splice site analysis predicts that this alteration may weaken the native splice donor site; however, direct evidence is insufficient at this time (Ambry internal data). This nucleotide position is poorly conserved in available vertebrate species. Based on the available evidence, the clinical significance of this variant remains unclear.